The following is an entry in ClinVar:

ClinVar aggregate classification (germline): Uncertain significance. Review status: criteria provided, multiple submitters, no conflicts (2 of 4 stars). 3 submissions from 3 submitters: Uncertain significance (2). 1 of the submissions does not count toward it. Last evaluated 2025-02-25.

Conditions:
COL9A3-related disorder. Also called: COL9A3-related condition.

Allele frequency attached by ClinVar (database versions not stated): gnomAD exomes below 0.00001 and 0.00001; TOPMed below 0.00001; gnomAD 0.00001.

Submissions (3):

Labcorp Genetics (formerly Invitae), Labcorp
Classification: Uncertain significance. Last evaluated: 2025-02-25. Review status: criteria provided, single submitter. Criteria: Invitae Variant Classification Sherloc (09022015). Collection method: clinical testing. Allele origin: germline.
Comment: This sequence change replaces glycine, which is neutral and non-polar, with glutamic acid, which is acidic and polar, at codon 610 of the COL9A3 protein (p.Gly610Glu). The frequency data for this variant in the population databases is considered unreliable, as metrics indicate poor data quality at this position in the gnomAD database. This variant has not been reported in the literature in individuals affected with COL9A3-related conditions. ClinVar contains an entry for this variant (Variation ID: 426167). Invitae Evidence Modeling of protein sequence and biophysical properties (such as structural, functional, and spatial information, amino acid conservation, physicochemical variation, residue mobility, and thermodynamic stability) indicates that this missense variant is expected to disrupt COL9A3 protein function with a positive predictive value of 95%. In summary, the available evidence is currently insufficient to determine the role of this variant in disease. Therefore, it has been classified as a Variant of Uncertain Significance.

GeneDx
Classification: Uncertain significance. Last evaluated: 2020-04-13. Review status: criteria provided, single submitter. Criteria: GeneDx Variant Classification Process June 2021. Collection method: clinical testing. Allele origin: germline. Affected: yes.
Comment: Not observed at a significant frequency in large population cohorts (Lek et al., 2016); In silico analysis supports that this missense variant has a deleterious effect on protein structure/function; Has not been previously published as pathogenic or benign to our knowledge

PreventionGenetics, part of Exact Sciences
Classification: Uncertain significance for COL9A3-related condition. Last evaluated: 2024-05-20. Review status: no assertion criteria provided. Collection method: clinical testing. Allele origin: germline. Not counted in ClinVar's aggregate classification.
Comment: The COL9A3 c.1829G>A variant is predicted to result in the amino acid substitution p.Gly610Glu. To our knowledge, this variant has not been reported in the literature. This variant is reported in 0.0013% of alleles in individuals of European (Non-Finnish) descent in gnomAD. At this time, the clinical significance of this variant is uncertain due to the absence of conclusive functional and genetic evidence.

NM_001853.4(COL9A3):c.1829G>A (p.Gly610Glu)

Gene: COL9A3 (collagen type IX alpha 3 chain; plus strand). Cytogenetic location: 20q13.33.
Variant type: single nucleotide variant.
Coding change: c.1829G>A on transcript NM_001853.4 (MANE Select); coding-DNA position 1829, G replaced by A.
Protein change: p.Gly610Glu; replaces glycine 610 with glutamic acid.
Molecular consequence: missense variant.
Genome position (GRCh38, 1-based): chr20:62,838,726, G>A. VCF-style: chr20-62838726-G-A. GRCh37 (hg19) VCF-style: chr20-61470078-G-A.
Other names: c.1829G>A, p.Gly610Glu (LRG_1253t1); short protein forms G610E.
Identifiers: ClinVar variation 426167 (VCV000426167.8), dbSNP rs778975940, ClinGen allele CA317345865.